The following is an entry in ClinVar:

ClinVar aggregate classification (germline): Uncertain significance (1 of 4 stars; one submission).

Submission:

GeneDx
Classification: Uncertain significance. Last evaluated: 2022-01-11. Review status: criteria provided, single submitter. Criteria: GeneDx Variant Classification Process June 2021. Collection method: clinical testing. Allele origin: germline. Affected: yes.
Comment: Not observed at significant frequency in large population cohorts (gnomAD); In silico analysis supports that this missense variant has a deleterious effect on protein structure/function; In-silico analysis is inconclusive as to whether the variant alters gene splicing. In the absence of RNA/functional studies, the actual effect of this sequence change is unknown.; Has not been previously published as pathogenic or benign to our knowledge

NM_007118.4(TRIO):c.1404C>G (p.Cys468Trp)

Gene: TRIO (trio Rho guanine nucleotide exchange factor; plus strand). Cytogenetic location: 5p15.2.
Variant type: single nucleotide variant.
Coding change: c.1404C>G on transcript NM_007118.4 (MANE Select); coding-DNA position 1404, C replaced by G.
Protein change: p.Cys468Trp; replaces cysteine 468 with tryptophan.
Molecular consequence: missense variant. On other transcripts: non-coding transcript variant (1).
Genome position (GRCh38, 1-based): chr5:14,304,496, C>G. VCF-style: chr5-14304496-C-G. GRCh37 (hg19) VCF-style: chr5-14304605-C-G.
Other names: short protein forms C468W.
Identifiers: ClinVar variation 1695887 (VCV001695887.2), dbSNP rs1014767267, ClinGen allele CA359220624.